The following is an entry in ClinVar:

NM_001042492.3(NF1):c.7274del (p.Asn2425fs)

Gene: NF1 (neurofibromin 1; plus strand). Cytogenetic location: 17q11.2.
Variant type: Deletion.
Coding change: c.7274del on transcript NM_001042492.3 (MANE Select); coding-DNA position 7274, one base deleted (A; older notation c.7274delA).
Protein change: p.Asn2425fs; shifts the reading frame from asparagine 2425.
Molecular consequence: frameshift variant.
Genome position (GRCh38, 1-based): chr17:31,349,204, A deleted; the last of 3 consecutive A bases (chr17:31,349,202-31,349,204); deleting any one gives the same sequence. VCF-style (leftmost placement, unchanged base first): chr17-31349201-GA-G. GRCh37 (hg19) VCF-style: chr17-29676219-GA-G.
Other names: c.7211delA, p.Asn2404Ilefs (NM_000267.4); c.7211delA (NM_000267.3); short protein forms N2425fs, N2404fs.
Identifiers: ClinVar variation 504241 (VCV000504241.9), dbSNP rs1555536030, ClinGen allele CA658798781.

ClinVar aggregate classification (germline): Pathogenic. Review status: criteria provided, multiple submitters, no conflicts (2 of 4 stars). 3 submissions from 3 submitters: Pathogenic (3). Last evaluated 2022-03-15.

Conditions:
Neurofibromatosis, type 1 (NF1). Also called: Peripheral type neurofibromatosis; VON RECKLINGHAUSEN DISEASE; NEUROFIBROMATOSIS, TYPE I, SOMATIC; Neurofibromatosis, type I. Identifiers: Orphanet 636, MedGen C0027831, MONDO:0018975, OMIM 162200. Disease mechanism: loss of function.

Submissions (3):

Genome-Nilou Lab
Classification: Pathogenic for Neurofibromatosis, type 1. Last evaluated: 2022-03-15. Review status: criteria provided, single submitter. Criteria: ACMG Guidelines, 2015. Collection method: clinical testing. Allele origin: germline. Affected: no.

Labcorp Genetics (formerly Invitae), Labcorp
Classification: Pathogenic for Neurofibromatosis, type 1. Last evaluated: 2019-06-04. Review status: criteria provided, single submitter. Criteria: Invitae Variant Classification Sherloc (09022015). Collection method: clinical testing. Allele origin: germline.
Comment: For these reasons, this variant has been classified as Pathogenic. Loss-of-function variants in NF1 are known to be pathogenic (PMID: 10712197, 23913538). This variant has not been reported in the literature in individuals with NF1-related conditions. ClinVar contains an entry for this variant (Variation ID: 504241). This variant is not present in population databases (ExAC no frequency). This sequence change creates a premature translational stop signal (p.Asn2404Ilefs*7) in the NF1 gene. It is expected to result in an absent or disrupted protein product.

GeneDx
Classification: Pathogenic. Last evaluated: 2018-02-08. Review status: criteria provided, single submitter. Criteria: GeneDx Variant Classification (06012015). Collection method: clinical testing. Allele origin: germline. Affected: yes.
Comment: The c.7211delA variant in the Nf1 gene has not been published as a pathogenic variant, nor has it been reported as a benign variant to our knowledge. This deletion causes a frameshift starting with codon Asparagine 2404, changes this amino acid to an Isoleuceine residue and creates a premature Stop codon at position 7 of the new reading frame, denoted p.Asn2404IlefsX7. This pathogenic variant is predicted to cause loss of normal protein function either through protein truncation or nonsense-mediated mRNA decay. This variant is not observed in large population cohorts (Lek et al., 2016). Based on currently available evidence, we consider c.7211delA to be pathogenic.

Literature cited by the submitters: PubMed 10712197 (cited by Labcorp Genetics (formerly Invitae), Labcorp); PubMed 23913538 (cited by Labcorp Genetics (formerly Invitae), Labcorp).